The following is an entry in ClinVar:

NM_005271.5(GLUD1):c.635A>G (p.Lys212Arg)

Gene: GLUD1 (glutamate dehydrogenase 1; minus strand). Cytogenetic location: 10q23.2.
Variant type: single nucleotide variant.
Coding change: c.635A>G on transcript NM_005271.5 (MANE Select); coding-DNA position 635, A replaced by G.
Protein change: p.Lys212Arg; replaces lysine 212 with arginine.
Molecular consequence: missense variant.
Genome position (GRCh38, 1-based): chr10:87,074,562, T>C on the plus strand (A>G on the coding strand, the complement: GLUD1 is on the minus strand). VCF-style: chr10-87074562-T-C. GRCh37 (hg19) VCF-style: chr10-88834319-T-C.
Other names: c.236A>G, p.Lys79Arg (NM_001318900.1); c.134A>G, p.Lys45Arg (NM_001318901.1, NM_001318902.1, NM_001318904.2 and 2 more transcripts); c.635A>G (NM_005271.3); short protein forms K212R, K45R, K79R.
Identifiers: ClinVar variation 848715 (VCV000848715.13), dbSNP rs761375132, ClinGen allele CA5587628.

ClinVar aggregate classification (germline): Conflicting classifications of pathogenicity. Review status: criteria provided, conflicting classifications (1 of 4 stars). 2 submissions from 2 submitters: Uncertain significance (1); Likely benign (1). Last evaluated 2025-04-30.

Conditions:
Inborn genetic diseases. Identifiers: MedGen C0950123, MeSH D030342.
Hyperinsulinism-hyperammonemia syndrome (HHF6). Identifiers: Orphanet 35878, MedGen C1847555, MONDO:0011717, OMIM 606762.

Allele frequency attached by ClinVar (database versions not stated): gnomAD 0.00001; TOPMed 0.00001; ExAC 0.00002.

Submissions (2):

Labcorp Genetics (formerly Invitae), Labcorp
Classification: Likely benign for Hyperinsulinism-hyperammonemia syndrome. Last evaluated: 2025-04-30. Review status: criteria provided, single submitter. Criteria: Invitae Variant Classification Sherloc (09022015). Collection method: clinical testing. Allele origin: germline.

Ambry Genetics
Classification: Uncertain significance for Inborn genetic diseases. Last evaluated: 2023-02-05. Review status: criteria provided, single submitter. Criteria: Ambry Variant Classification Scheme 2023. Collection method: clinical testing. Allele origin: germline.
Comment: The p.K212R variant (also known as c.635A>G), located in coding exon 4 of the GLUD1 gene, results from an A to G substitution at nucleotide position 635. The lysine at codon 212 is replaced by arginine, an amino acid with highly similar properties. This amino acid position is conserved. In addition, the in silico prediction for this alteration is inconclusive. Since supporting evidence is limited at this time, the clinical significance of this alteration remains unclear.